The following is an entry in ClinVar:

ClinVar aggregate classification (germline): Uncertain significance (1 of 4 stars; one submission).

Allele frequency attached by ClinVar (database versions not stated): TOPMed 0.00002; gnomAD 0.00003.

Submission:

Labcorp Genetics (formerly Invitae), Labcorp
Classification: Uncertain significance. Last evaluated: 2025-12-08. Review status: criteria provided, single submitter. Criteria: Invitae Variant Classification Sherloc (09022015). Collection method: clinical testing. Allele origin: germline.
Comment: This sequence change replaces arginine, which is basic and polar, with histidine, which is basic and polar, at codon 552 of the FUK protein (p.Arg552His). This variant is present in population databases (rs749307081, gnomAD 0.02%). This variant has not been reported in the literature in individuals affected with FUK-related conditions. ClinVar contains an entry for this variant (Variation ID: 1989734). An algorithm developed to predict the effect of missense changes on protein structure and function outputs the following: PolyPhen-2: "Benign". The histidine amino acid residue is found in multiple mammalian species, which suggests that this missense change does not adversely affect protein function. In summary, the available evidence is currently insufficient to determine the role of this variant in disease. Therefore, it has been classified as a Variant of Uncertain Significance.

NM_145059.3(FCSK):c.1655G>A (p.Arg552His)

Gene: FCSK (fucose kinase; plus strand). Cytogenetic location: 16q22.1.
Variant type: single nucleotide variant.
Coding change: c.1655G>A on transcript NM_145059.3 (MANE Select); coding-DNA position 1655, G replaced by A.
Protein change: p.Arg552His; replaces arginine 552 with histidine.
Molecular consequence: missense variant.
Genome position (GRCh38, 1-based): chr16:70,473,231, G>A. VCF-style: chr16-70473231-G-A. GRCh37 (hg19) VCF-style: chr16-70507134-G-A.
Other names: short protein forms R552H.
Identifiers: ClinVar variation 1989734 (VCV001989734.4), dbSNP rs749307081, ClinGen allele CA8143399.
Genomic context (GRCh38, chr16:70,473,231, plus strand): 5'-AGCTGCAGCCGTGCCTGGATCGGGCTGCCACGCTGGCCTCTCGCCGGGACCTGTTCTTCC[G>A]CCAGGCCCTGCATAAGGCGCGGCACGTGCTGGAGGCCCGGCAGGACCTCAGCCTGCGCCC-3'
Protein context (NP_659496.2, residues 542-562): TLASRRDLFF[Arg552His]QALHKARHVL